The following is an entry in ClinVar:

NM_000059.4(BRCA2):c.2753dup (p.Asn918fs)

Gene: BRCA2 (BRCA2 DNA repair associated; plus strand). Cytogenetic location: 13q13.1.
Variant type: Duplication.
Coding change: c.2753dup on transcript NM_000059.4 (MANE Select); coding-DNA position 2753, one base duplicated (A; older notation c.2753dupA).
Protein change: p.Asn918fs; shifts the reading frame from asparagine 918.
Molecular consequence: frameshift variant. On other transcripts: non-coding transcript variant (1), intron variant (2).
Genome position (GRCh38, 1-based): chr13:32,337,108, A duplicated; the last of 3 consecutive A bases (chr13:32,337,106-32,337,108); duplicating any one gives the same sequence. VCF-style (leftmost placement, unchanged base first): chr13-32337105-T-TA. GRCh37 (hg19) VCF-style: chr13-32911242-T-TA.
Other names: c.2753dup, p.Asn918fs (NM_001406719.1, NM_001406720.1, NM_001432077.1); c.1909+3721dup (NM_001406721.1); c.424+6078dup (NM_001406722.1); short protein forms N918fs.
Identifiers: ClinVar variation 4884188 (VCV004884188.2).

ClinVar aggregate classification (germline): Pathogenic (1 of 4 stars; one submission).

Conditions:
Breast-ovarian cancer, familial, susceptibility to, 2 (BROVCA2). Also called: BRCA2 Hereditary Breast and Ovarian Cancer. Identifiers: Orphanet 145, MedGen C2675520, MONDO:0012933, OMIM 612555. Disease mechanism: loss of function.

Submission:

Dasa
Classification: Pathogenic for Breast-ovarian cancer, familial, susceptibility to, 2. Last evaluated: 2025-04-07. Review status: criteria provided, single submitter. Criteria: DASA Assertion Criteria. Collection method: clinical testing. Allele origin: germline.
Comment: NM_000059.4(BRCA2):c.2753dup (p.Asn918Lysfs*18) is a frameshift variant in BRCA2 predicted to alter the reading frame and introduce a premature termination codon and is predicted to result in an absent or altered protein product. Loss of function is an established disease mechanism for BRCA2 (PMID: 16199546; PMID: 17063271; PMID: 25632310). The affected residue or protein region has prior evidence supporting clinical relevance. Also, this variant is absent from population databases. Based on the currently available evidence, this variant is classified as pathogenic.

Literature cited by the submitters: PubMed 16199546; PubMed 17063271; PubMed 25632310.